The following is an entry in ClinVar:

NM_006736.6(DNAJB2):c.310del (p.Arg104fs)

Gene: DNAJB2 (DnaJ heat shock protein family (Hsp40) member B2; plus strand). Cytogenetic location: 2q35.
Variant type: Deletion.
Coding change: c.310del on transcript NM_006736.6 (MANE Select); coding-DNA position 310, one base deleted (C; older notation c.310delC).
Protein change: p.Arg104fs; shifts the reading frame from arginine 104.
Molecular consequence: frameshift variant.
Genome position (GRCh38, 1-based): chr2:219,282,019, C deleted; the last of 2 consecutive C bases (chr2:219,282,018-219,282,019); deleting either gives the same sequence. VCF-style (leftmost placement, unchanged base first): chr2-219282017-TC-T. GRCh37 (hg19) VCF-style: chr2-220146739-TC-T.
Other names: c.310del, p.Arg104fs (NM_001039550.2); short protein forms R104fs.
Identifiers: ClinVar variation 243085 (VCV000243085.1), dbSNP rs879253868, ClinGen allele CA10584077.

ClinVar aggregate classification (germline): Likely pathogenic (1 of 4 stars; one submission).

Conditions:
Neuronopathy, distal hereditary motor, autosomal recessive 5. Also called: Young adult-onset distal hereditary motor neuropathy; NEUROPATHY, DISTAL HEREDITARY MOTOR, AUTOSOMAL RECESSIVE 5; Spinal muscular atrophy, distal, autosomal recessive, 5. Identifiers: Orphanet 314485, Orphanet 443950, MedGen C4749918, MONDO:0013947, OMIM 614881.

Submission:

Lupski Lab, Baylor-Hopkins CMG, Baylor College of Medicine
Classification: Likely pathogenic for Neuronopathy, distal hereditary motor, autosomal recessive 5. Last evaluated: 2015-08-18. Review status: criteria provided, single submitter. Criteria: Gonzaga-Jauregui et al. (Cell Rep. 2015). Collection method: research. Allele origin: germline. Inheritance: Autosomal recessive inheritance. Affected: yes. Observed: 1 variant allele, 1 homozygote.